The following is an entry in ClinVar:

ClinVar aggregate classification (germline): Uncertain significance. Review status: criteria provided, multiple submitters, no conflicts (2 of 4 stars). 2 submissions from 2 submitters: Uncertain significance (2). Last evaluated 2025-02-13.

Submissions (2):

Labcorp Genetics (formerly Invitae), Labcorp
Classification: Uncertain significance. Last evaluated: 2025-02-13. Review status: criteria provided, single submitter. Criteria: Invitae Variant Classification Sherloc (09022015). Collection method: clinical testing. Allele origin: germline.
Comment: This sequence change falls in intron 20 of the ANKRD26 gene. It does not directly change the encoded amino acid sequence of the ANKRD26 protein. It affects a nucleotide within the consensus splice site. This variant is present in population databases (rs769980329, gnomAD 0.01%). This variant has not been reported in the literature in individuals affected with ANKRD26-related conditions. ClinVar contains an entry for this variant (Variation ID: 3361142). Variants that disrupt the consensus splice site are a relatively common cause of aberrant splicing (PMID: 17576681, 9536098). Algorithms developed to predict the effect of sequence changes on RNA splicing suggest that this variant is not likely to affect RNA splicing. In summary, the available evidence is currently insufficient to determine the role of this variant in disease. Therefore, it has been classified as a Variant of Uncertain Significance.

GeneDx
Classification: Uncertain significance. Last evaluated: 2023-07-20. Review status: criteria provided, single submitter. Criteria: GeneDx Variant Classification Process June 2021. Collection method: clinical testing. Allele origin: germline. Affected: yes.
Comment: Not observed at significant frequency in large population cohorts (gnomAD); In silico analysis supports that this variant does not alter splicing; Has not been previously published as pathogenic or benign to our knowledge

Literature cited by the submitters: PubMed 17576681 (cited by Labcorp Genetics (formerly Invitae), Labcorp); PubMed 9536098 (cited by Labcorp Genetics (formerly Invitae), Labcorp).

NM_014915.3(ANKRD26):c.2161+2dup

Gene: ANKRD26 (ankyrin repeat domain 26; minus strand). Cytogenetic location: 10p12.1.
Variant type: Duplication.
Coding change: c.2161+2dup on transcript NM_014915.3 (MANE Select); the canonical splice donor site of the intron after coding-DNA position 2161, one base duplicated (T; older notation c.2161+2dupT).
Molecular consequence: splice donor variant.
Genome position (GRCh38, 1-based): chr10:27,043,424, A duplicated on the plus strand (T on the coding strand, the reverse complement: ANKRD26 is on the minus strand). VCF-style (leftmost placement, unchanged base first): chr10-27043423-T-TA. GRCh37 (hg19) VCF-style: chr10-27332352-T-TA.
Other names: c.2158+2dup (NM_001256053.2).
Identifiers: ClinVar variation 3361142 (VCV003361142.2).